The following is an entry in ClinVar:

NM_000051.4(ATM):c.4776+1G>C

Gene: ATM (ATM serine/threonine kinase; plus strand). Cytogenetic location: 11q22.3.
Variant type: single nucleotide variant.
Coding change: c.4776+1G>C on transcript NM_000051.4 (MANE Select); the canonical splice donor site of the intron after coding-DNA position 4776, G replaced by C.
Molecular consequence: splice donor variant.
Genome position (GRCh38, 1-based): chr11:108,293,478, G>C. VCF-style: chr11-108293478-G-C. GRCh37 (hg19) VCF-style: chr11-108164205-G-C.
Other names: c.4776+1G>C (NM_001351834.2).
Identifiers: ClinVar variation 2453979 (VCV002453979.2), dbSNP rs771117943, ClinGen allele CA382535228.

ClinVar aggregate classification (germline): Pathogenic (1 of 4 stars; one submission).

Conditions:
Hereditary cancer-predisposing syndrome. Also called: Neoplastic Syndromes, Hereditary; Hereditary neoplastic syndrome; Tumor predisposition; Hereditary Cancer Syndrome. Identifiers: Orphanet 140162, MedGen C0027672, MeSH D009386, MONDO:0015356.

Submission:

Ambry Genetics
Classification: Pathogenic for Hereditary cancer-predisposing syndrome. Last evaluated: 2023-03-03. Review status: criteria provided, single submitter. Criteria: Ambry Variant Classification Scheme 2023. Collection method: clinical testing. Allele origin: germline.
Comment: The c.4776+1G>C intronic pathogenic mutation results from a G to C substitution one nucleotide after coding exon 30 of the ATM gene. Alterations that disrupt the canonical splice site are expected to result in aberrant splicing. In silico splice site analysis predicts that this alteration will weaken the native splice donor site. The resulting transcript is predicted to be in-frame and is not expected to trigger nonsense-mediated mRNA decay; however, direct evidence is unavailable. The exact functional effect of the altered amino acid sequence is unknown; however, the impacted region is critical for protein function (Ambry internal data). Several alterations at this donor site have been identified in individuals with ataxia-telangiectasia (Mitui M et al. Hum. Mutat. 2003; 22:43-50; Gilad S et al. Am. J. Hum. Genet. 1998; 62:551-61; Teraoka SN et al. Am. J. Hum. Genet. 1999; 64:1617-31) and have also been shown to cause abnormal splicing (Ambry internal data). This variant is considered to be rare based on population cohorts in the Genome Aggregation Database (gnomAD). Based on the supporting evidence, this alteration is interpreted as a disease-causing mutation.